The following is an entry in ClinVar:

ClinVar aggregate classification (germline): Uncertain significance (1 of 4 stars; one submission).

Conditions:
Aortic valve disease 2 (AOVD2). Identifiers: MedGen C3542024, MONDO:0013902, OMIM 614823.

Submission:

Labcorp Genetics (formerly Invitae), Labcorp
Classification: Uncertain significance for Aortic valve disease 2. Last evaluated: 2024-08-09. Review status: criteria provided, single submitter. Criteria: Invitae Variant Classification Sherloc (09022015). Collection method: clinical testing. Allele origin: germline.
Comment: This sequence change replaces proline, which is neutral and non-polar, with glutamine, which is neutral and polar, at codon 209 of the SMAD6 protein (p.Pro209Gln). This variant is not present in population databases (gnomAD no frequency). This variant has not been reported in the literature in individuals affected with SMAD6-related conditions. Advanced modeling of protein sequence and biophysical properties (such as structural, functional, and spatial information, amino acid conservation, physicochemical variation, residue mobility, and thermodynamic stability) performed at Invitae indicates that this missense variant is not expected to disrupt SMAD6 protein function with a negative predictive value of 80%. In summary, the available evidence is currently insufficient to determine the role of this variant in disease. Therefore, it has been classified as a Variant of Uncertain Significance.

NM_005585.5(SMAD6):c.626C>A (p.Pro209Gln)

Gene: SMAD6 (SMAD family member 6; plus strand). Cytogenetic location: 15q22.31.
Variant type: single nucleotide variant.
Coding change: c.626C>A on transcript NM_005585.5 (MANE Select); coding-DNA position 626, C replaced by A.
Protein change: p.Pro209Gln; replaces proline 209 with glutamine.
Molecular consequence: missense variant. On other transcripts: non-coding transcript variant (1).
Genome position (GRCh38, 1-based): chr15:66,703,884, C>A. VCF-style: chr15-66703884-C-A. GRCh37 (hg19) VCF-style: chr15-66996222-C-A.
Other names: short protein forms P209Q.
Identifiers: ClinVar variation 3719106 (VCV003719106.2).